The following is an entry in ClinVar:

ClinVar aggregate classification (germline): Uncertain significance (1 of 4 stars; one submission).

Allele frequency attached by ClinVar (database versions not stated): gnomAD exomes below 0.00001.
gnomAD v4.1: 1 of 1,614,076 alleles (0.000062%); highest among the groups gnomAD compares: African/African-American, 0.0013%; no homozygotes.

Submission:

Labcorp Genetics (formerly Invitae), Labcorp
Classification: Uncertain significance. Last evaluated: 2022-06-13. Review status: criteria provided, single submitter. Criteria: Invitae Variant Classification Sherloc (09022015). Collection method: clinical testing. Allele origin: germline.
Comment: Advanced modeling of protein sequence and biophysical properties (such as structural, functional, and spatial information, amino acid conservation, physicochemical variation, residue mobility, and thermodynamic stability) performed at Invitae indicates that this missense variant is not expected to disrupt COL7A1 protein function. In summary, the available evidence is currently insufficient to determine the role of this variant in disease. Therefore, it has been classified as a Variant of Uncertain Significance. This variant has not been reported in the literature in individuals affected with COL7A1-related conditions. This variant is not present in population databases (gnomAD no frequency). This sequence change replaces proline, which is neutral and non-polar, with leucine, which is neutral and non-polar, at codon 1587 of the COL7A1 protein (p.Pro1587Leu).

NM_000094.4(COL7A1):c.4760C>T (p.Pro1587Leu)

Gene: COL7A1 (collagen type VII alpha 1 chain; minus strand). Cytogenetic location: 3p21.31.
Variant type: single nucleotide variant.
Coding change: c.4760C>T on transcript NM_000094.4 (MANE Select); coding-DNA position 4760, C replaced by T.
Protein change: p.Pro1587Leu; replaces proline 1587 with leucine.
Molecular consequence: missense variant.
Genome position (GRCh38, 1-based): chr3:48,581,595, G>A on the plus strand (C>T on the coding strand, the complement: COL7A1 is on the minus strand). VCF-style: chr3-48581595-G-A. GRCh37 (hg19) VCF-style: chr3-48619028-G-A.
Other names: short protein forms P1587L.
Identifiers: ClinVar variation 2102213 (VCV002102213.4), dbSNP rs2044762036, ClinGen allele CA352684685.